The following is an entry in ClinVar:

NM_004974.4(KCNA2):c.841G>A (p.Ala281Thr)

Gene: KCNA2 (potassium voltage-gated channel subfamily A member 2; minus strand). Cytogenetic location: 1p13.3.
Variant type: single nucleotide variant.
Coding change: c.841G>A on transcript NM_004974.4 (MANE Select); coding-DNA position 841, G replaced by A.
Protein change: p.Ala281Thr; replaces alanine 281 with threonine.
Molecular consequence: missense variant.
Genome position (GRCh38, 1-based): chr1:110,603,942, C>T on the plus strand (G>A on the coding strand, the complement: KCNA2 is on the minus strand). VCF-style: chr1-110603942-C-T. GRCh37 (hg19) VCF-style: chr1-111146564-C-T.
Other names: c.841G>A, p.Ala281Thr (NM_001204269.2); short protein forms A281T.
Identifiers: ClinVar variation 581469 (VCV000581469.9), dbSNP rs753926939, ClinGen allele CA1000677.

ClinVar aggregate classification (germline): Uncertain significance (1 of 4 stars; one submission).

Conditions:
Developmental and epileptic encephalopathy, 32 (DEE32). Also called: Epileptic encephalopathy, early infantile, 32. Identifiers: Orphanet 442835, MedGen C4225350, MONDO:0014607, OMIM 616366.

Allele frequency attached by ClinVar (database versions not stated): TOPMed below 0.00001; ExAC 0.00001; gnomAD exomes 0.00002.
gnomAD v4.1: 18 of 1,614,130 alleles (0.0011%); highest among the groups gnomAD compares: Admixed American, 0.0033%; no homozygotes.

Submission:

Labcorp Genetics (formerly Invitae), Labcorp
Classification: Uncertain significance for Developmental and epileptic encephalopathy, 32. Last evaluated: 2025-11-01. Review status: criteria provided, single submitter. Criteria: Invitae Variant Classification Sherloc (09022015). Collection method: clinical testing. Allele origin: germline.
Comment: This sequence change replaces alanine, which is neutral and non-polar, with threonine, which is neutral and polar, at codon 281 of the KCNA2 protein (p.Ala281Thr). This variant is present in population databases (rs753926939, gnomAD 0.006%). This variant has not been reported in the literature in individuals affected with KCNA2-related conditions. ClinVar contains an entry for this variant (Variation ID: 581469). Invitae Evidence Modeling of protein sequence and biophysical properties (such as structural, functional, and spatial information, amino acid conservation, physicochemical variation, residue mobility, and thermodynamic stability) indicates that this missense variant is not expected to disrupt KCNA2 protein function with a negative predictive value of 95%. In summary, the available evidence is currently insufficient to determine the role of this variant in disease. Therefore, it has been classified as a Variant of Uncertain Significance.